The following is an entry in ClinVar:

ClinVar aggregate classification (germline): Uncertain significance (1 of 4 stars; one submission).

Allele frequency attached by ClinVar (database versions not stated): gnomAD 0.00003; gnomAD exomes 0.00005; ExAC 0.00012; 1000 Genomes Project 30x 0.00031; 1000 Genomes Project 0.00040.
gnomAD v4.1: 72 of 1,614,210 alleles (0.0045%); highest among the groups gnomAD compares: South Asian, 0.075%; 1 homozygote.

Submission:

Labcorp Genetics (formerly Invitae), Labcorp
Classification: Uncertain significance. Last evaluated: 2022-05-27. Review status: criteria provided, single submitter. Criteria: Invitae Variant Classification Sherloc (09022015). Collection method: clinical testing. Allele origin: germline.
Comment: This sequence change replaces alanine, which is neutral and non-polar, with proline, which is neutral and non-polar, at codon 796 of the TOP3A protein (p.Ala796Pro). This variant is present in population databases (rs572424841, gnomAD 0.09%). This variant has not been reported in the literature in individuals affected with TOP3A-related conditions. Algorithms developed to predict the effect of missense changes on protein structure and function are either unavailable or do not agree on the potential impact of this missense change (SIFT: "Not Available"; PolyPhen-2: "Benign"; Align-GVGD: "Not Available"). In summary, the available evidence is currently insufficient to determine the role of this variant in disease. Therefore, it has been classified as a Variant of Uncertain Significance.

NM_004618.5(TOP3A):c.2386G>C (p.Ala796Pro)

Gene: TOP3A (DNA topoisomerase III alpha; minus strand). Cytogenetic location: 17p11.2.
Variant type: single nucleotide variant.
Coding change: c.2386G>C on transcript NM_004618.5 (MANE Select); coding-DNA position 2386, G replaced by C.
Protein change: p.Ala796Pro; replaces alanine 796 with proline.
Molecular consequence: missense variant.
Genome position (GRCh38, 1-based): chr17:18,278,116, C>G on the plus strand (G>C on the coding strand, the complement: TOP3A is on the minus strand). VCF-style: chr17-18278116-C-G. GRCh37 (hg19) VCF-style: chr17-18181430-C-G.
Other names: c.2101G>C, p.Ala701Pro (NM_001320759.2); short protein forms A796P, A701P.
Identifiers: ClinVar variation 1918984 (VCV001918984.2), dbSNP rs572424841, ClinGen allele CA8429614.